The following is an entry in ClinVar:

NM_182961.4(SYNE1):c.16815_16821dup (p.Glu5608fs)

Genes: SYNE1 (spectrin repeat containing nuclear envelope protein 1; minus strand), LOC126859837 (BRD4-independent group 4 enhancer GRCh37_chr6:152630775-152631974; plus strand). Cytogenetic location: 6q25.2.
Variant type: Duplication.
Coding change: c.16815_16821dup on transcript NM_182961.4 (MANE Select); coding-DNA positions 16815 to 16821, 7 bases duplicated (AGTGGCA; older notation c.16815_16821dupAGTGGCA).
Protein change: p.Glu5608fs; shifts the reading frame from glutamic acid 5608.
Molecular consequence: frameshift variant.
Genome position (GRCh38, 1-based): chr6:152,310,763-152,310,769, TGCCACT duplicated on the plus strand (AGTGGCA on the coding strand, the reverse complement: SYNE1 is on the minus strand); duplicating any 7 consecutive bases within chr6:152,310,763-152,310,772 gives the same sequence; the c. name uses the placement nearest the transcript's 3' end. VCF-style (leftmost placement, unchanged base first): chr6-152310762-C-CTGCCACT. GRCh37 (hg19) VCF-style: chr6-152631897-C-CTGCCACT.
Other names: c.16602_16608dup, p.Glu5537fs (NM_033071.5); short protein forms E5608fs, E5537fs.
Identifiers: ClinVar variation 288510 (VCV000288510.11), dbSNP rs886043923, ClinGen allele CA10606116.

ClinVar aggregate classification (germline): Conflicting classifications of pathogenicity. Review status: criteria provided, conflicting classifications (1 of 4 stars). 2 submissions from 2 submitters: Pathogenic (1); Uncertain significance (1). Last evaluated 2021-12-24.

Conditions:
Autosomal recessive ataxia, Beauce type. Also called: Spinocerebellar ataxia, autosomal recessive 8; ATAXIA, RECESSIVE, OF BEAUCE; SYNE1 Deficiency; SYNE1-Related Autosomal Recessive Cerebellar Ataxia. Identifiers: Orphanet 88644, MedGen C1853116, MONDO:0012549, OMIM 610743.
Emery-Dreifuss muscular dystrophy 4, autosomal dominant (EDMD4). Also called: EMERY-DREIFUSS MUSCULAR DYSTROPHY 4 WITH VARIABLE FEATURES. Identifiers: Orphanet 261, MedGen C2751807, MONDO:0013071, OMIM 612998.

Submissions (2):

Labcorp Genetics (formerly Invitae), Labcorp
Classification: Pathogenic for Emery-Dreifuss muscular dystrophy 4, autosomal dominant; Autosomal recessive ataxia, Beauce type. Last evaluated: 2021-12-24. Review status: criteria provided, single submitter. Criteria: Invitae Variant Classification Sherloc (09022015). Collection method: clinical testing. Allele origin: germline.
Comment: This sequence change creates a premature translational stop signal (p.Glu5537Serfs*9) in the SYNE1 gene. It is expected to result in an absent or disrupted protein product. Loss-of-function variants in SYNE1 are known to be pathogenic (PMID: 19542096, 24319099, 27086870). This variant is not present in population databases (gnomAD no frequency). For these reasons, this variant has been classified as Pathogenic. ClinVar contains an entry for this variant (Variation ID: 288510). This variant has not been reported in the literature in individuals affected with SYNE1-related conditions.

Eurofins Ntd Llc (ga)
Classification: Uncertain significance. Last evaluated: 2016-06-06. Review status: criteria provided, single submitter. Criteria: EGL Classification Definitions. Collection method: clinical testing. Allele origin: germline. Observed: 1 variant allele, 1 heterozygote.

Literature cited by the submitters: PubMed 19542096 (cited by Labcorp Genetics (formerly Invitae), Labcorp); PubMed 24319099 (cited by Labcorp Genetics (formerly Invitae), Labcorp); PubMed 27086870 (cited by Labcorp Genetics (formerly Invitae), Labcorp).